The following is an entry in ClinVar:

ClinVar aggregate classification (germline): Likely pathogenic (1 of 4 stars; one submission).

Conditions:
Ataxia-telangiectasia syndrome (AT). Also called: Cerebello-oculocutaneous telangiectasia; Immunodeficiency with ataxia telangiectasia; Ataxia-telangiectasia, complementation group D; Ataxia telangiectasia (A-T); ATAXIA-TELANGIECTASIA, COMPLEMENTATION GROUP A; ATAXIA-TELANGIECTASIA, FRESNO VARIANT. Identifiers: Orphanet 100, MedGen C0004135, MONDO:0008840, OMIM 208900.

Submission:

Labcorp Genetics (formerly Invitae), Labcorp
Classification: Likely pathogenic for Ataxia-telangiectasia syndrome. Last evaluated: 2022-04-24. Review status: criteria provided, single submitter. Criteria: Invitae Variant Classification Sherloc (09022015). Collection method: clinical testing. Allele origin: germline.
Comment: This variant has not been reported in the literature in individuals affected with ATM-related conditions. This variant is not present in population databases (gnomAD no frequency). This sequence change affects an acceptor splice site in intron 23 of the ATM gene. It is expected to disrupt RNA splicing. Variants that disrupt the donor or acceptor splice site typically lead to a loss of protein function (PMID: 16199547), and loss-of-function variants in ATM are known to be pathogenic (PMID: 23807571, 25614872). Algorithms developed to predict the effect of sequence changes on RNA splicing suggest that this variant may disrupt the consensus splice site. In summary, the currently available evidence indicates that the variant is pathogenic, but additional data are needed to prove that conclusively. Therefore, this variant has been classified as Likely Pathogenic.

Literature cited by the submitters: PubMed 16199547; PubMed 23807571; PubMed 25614872.

NM_000051.4(ATM):c.3403-1G>T

Gene: ATM (ATM serine/threonine kinase; plus strand). Cytogenetic location: 11q22.3.
Variant type: single nucleotide variant.
Coding change: c.3403-1G>T on transcript NM_000051.4 (MANE Select); the canonical splice acceptor site of the intron before coding-DNA position 3403, G replaced by T.
Molecular consequence: splice acceptor variant.
Genome position (GRCh38, 1-based): chr11:108,280,994, G>T. VCF-style: chr11-108280994-G-T. GRCh37 (hg19) VCF-style: chr11-108151721-G-T.
Other names: c.3403-1G>T (NM_001351834.2).
Identifiers: ClinVar variation 2129949 (VCV002129949.4), dbSNP rs1555091120, ClinGen allele CA382518813.